The following is an entry in ClinVar:

NM_032620.4(GTPBP3):c.1373C>G (p.Ala458Gly)

Gene: GTPBP3 (GTP binding protein 3, mitochondrial; plus strand). Cytogenetic location: 19p13.11.
Variant type: single nucleotide variant.
Coding change: c.1373C>G on transcript NM_032620.4 (MANE Select); coding-DNA position 1373, C replaced by G.
Protein change: p.Ala458Gly; replaces alanine 458 with glycine.
Molecular consequence: missense variant.
Genome position (GRCh38, 1-based): chr19:17,341,597, C>G. VCF-style: chr19-17341597-C-G. GRCh37 (hg19) VCF-style: chr19-17452406-C-G.
Other names: c.1310C>G, p.Ala437Gly (NM_001128855.3); c.1439C>G, p.Ala480Gly (NM_001195422.1); c.1469C>G, p.Ala490Gly (NM_133644.4); short protein forms A437G, A480G, A490G, A458G.
Identifiers: ClinVar variation 2099536 (VCV002099536.1), dbSNP rs893333623, ClinGen allele CA306064977.

ClinVar aggregate classification (germline): Uncertain significance (1 of 4 stars; one submission).

Submission:

Labcorp Genetics (formerly Invitae), Labcorp
Classification: Uncertain significance. Last evaluated: 2022-02-19. Review status: criteria provided, single submitter. Criteria: Invitae Variant Classification Sherloc (09022015). Collection method: clinical testing. Allele origin: germline.
Comment: This sequence change replaces alanine, which is neutral and non-polar, with glycine, which is neutral and non-polar, at codon 490 of the GTPBP3 protein (p.Ala490Gly). This variant is not present in population databases (gnomAD no frequency). This variant has not been reported in the literature in individuals affected with GTPBP3-related conditions. Algorithms developed to predict the effect of missense changes on protein structure and function are either unavailable or do not agree on the potential impact of this missense change (SIFT: "Tolerated"; PolyPhen-2: "Probably Damaging"; Align-GVGD: "Class C0"). In summary, the available evidence is currently insufficient to determine the role of this variant in disease. Therefore, it has been classified as a Variant of Uncertain Significance.